The following is an entry in ClinVar:

NM_015509.4(NECAP1):c.779+68T>C

Gene: NECAP1 (NECAP endocytosis associated 1; plus strand). Cytogenetic location: 12p13.31.
Variant type: single nucleotide variant.
Coding change: c.779+68T>C on transcript NM_015509.4 (MANE Select); 68 bases into the intron after coding-DNA position 779, T replaced by C.
Molecular consequence: intron variant.
Genome position (GRCh38, 1-based): chr12:8,095,771, T>C. VCF-style: chr12-8095771-T-C. GRCh37 (hg19) VCF-style: chr12-8248367-T-C.
Identifiers: ClinVar variation 3255290 (VCV003255290.2), dbSNP rs2231754.
Genomic context (GRCh38, chr12:8,095,771, plus strand): 5'-GCATAGTGAAACTAGCATACTCTCAATCAGGGTGTAGGAGATATGTACAGTCAATTGAAA[T>C]CTTTGATCTGGAGAAGCAATGGATATGCAGGTCACATAGAGTCTTTTGGAAGAGTTCTAG-3'

ClinVar aggregate classification (germline): Benign (1 of 4 stars; one submission).

Allele frequency attached by ClinVar (database versions not stated): 1000 Genomes Project 0.12101; 1000 Genomes Project 30x 0.12117; TOPMed 0.20335; gnomAD 0.20963; gnomAD exomes 0.23343.
gnomAD v4.1: 336,118 of 1,457,184 alleles (23%); highest among the groups gnomAD compares: Non-Finnish European, 26%; 42,274 homozygotes.

Submission:

Unidad de Genómica Garrahan, Hospital de Pediatría Garrahan
Classification: Benign. Last evaluated: 2024-07-15. Review status: criteria provided, single submitter. Criteria: ACMG Guidelines, 2015. Collection method: clinical testing. Allele origin: germline. Affected: no. Observed: 31 variant alleles.
Comment: This variant is classified as Benign based on local population frequency. This variant was detected in 33% of patients studied in a panel designed for Epileptic and Developmental Encephalopathy and Progressive Myoclonus Epilepsy. Number of patients: 31. Only high quality variants are reported.